The following is an entry in ClinVar:

NM_001277115.2(DNAH11):c.194G>A (p.Arg65His)

Gene: DNAH11 (dynein axonemal heavy chain 11; plus strand). Cytogenetic location: 7p15.3.
Variant type: single nucleotide variant.
Coding change: c.194G>A on transcript NM_001277115.2 (MANE Select); coding-DNA position 194, G replaced by A.
Protein change: p.Arg65His; replaces arginine 65 with histidine.
Molecular consequence: missense variant.
Genome position (GRCh38, 1-based): chr7:21,543,439, G>A. VCF-style: chr7-21543439-G-A. GRCh37 (hg19) VCF-style: chr7-21583057-G-A.
Other names: short protein forms R65H.
Identifiers: ClinVar variation 3503071 (VCV003503071.1).

ClinVar aggregate classification (germline): Uncertain significance (1 of 4 stars; one submission).

Conditions:
Primary ciliary dyskinesia. Also called: Ciliary dyskinesia. Identifiers: Orphanet 244, MedGen C0008780, MONDO:0016575, HP:0012265.

gnomAD v4.1: 1 of 1,561,140 alleles (0.000064%); no homozygotes.

Submission:

Ambry Genetics
Classification: Uncertain significance for Primary ciliary dyskinesia. Last evaluated: 2024-12-05. Review status: criteria provided, single submitter. Criteria: Ambry Variant Classification Scheme 2023. Collection method: clinical testing. Allele origin: germline.
Comment: The p.R65H variant (also known as c.194G>A), located in coding exon 1 of the DNAH11 gene, results from a G to A substitution at nucleotide position 194. The arginine at codon 65 is replaced by histidine, an amino acid with highly similar properties. This amino acid position is conserved. In addition, this alteration is predicted to be tolerated by in silico analysis. Based on the available evidence, the clinical significance of this variant remains unclear.